The following is an entry in ClinVar:

NM_152564.5(VPS13B):c.10936G>T (p.Val3646Phe)

Gene: VPS13B (vacuolar protein sorting 13 homolog B; plus strand). Cytogenetic location: 8q22.2.
Variant type: single nucleotide variant.
Coding change: c.10936G>T on transcript NM_152564.5 (MANE Select); coding-DNA position 10936, G replaced by T.
Protein change: p.Val3646Phe; replaces valine 3646 with phenylalanine.
Molecular consequence: missense variant.
Genome position (GRCh38, 1-based): chr8:99,859,372, G>T. VCF-style: chr8-99859372-G-T. GRCh37 (hg19) VCF-style: chr8-100871600-G-T.
Other names: c.11011G>T, p.Val3671Phe (NM_017890.5); short protein forms V3646F, V3671F.
Identifiers: ClinVar variation 4978107 (VCV004978107.1).

ClinVar aggregate classification (germline): Uncertain significance (1 of 4 stars; one submission).

Conditions:
VPS13B-related disorder. Also called: VPS13B-related condition.

Submission:

PreventionGenetics, part of Exact Sciences
Classification: Uncertain significance for VPS13B-related condition. Last evaluated: 2026-09-01. Review status: criteria provided, single submitter. Criteria: ACMG Guidelines, 2015. Collection method: clinical testing. Allele origin: germline.
Comment: The VPS13B c.10936G>T variant is predicted to result in the amino acid substitution p.Val3646Phe. To our knowledge, this variant has not been reported in the literature or in a large population database (gnomAD), indicating this variant is rare. At this time, the clinical significance of this variant is uncertain due to the absence of conclusive functional and genetic evidence.